The following is an entry in ClinVar:

ClinVar aggregate classification (germline): Uncertain significance (1 of 4 stars; one submission).

Conditions:
Familial thoracic aortic aneurysm and aortic dissection (TAAD). Also called: Thoracic aortic aneurysms and dissections. Identifiers: Orphanet 91387, MedGen C4707243, MONDO:0019625.

Submission:

Labcorp Genetics (formerly Invitae), Labcorp
Classification: Uncertain significance for Familial thoracic aortic aneurysm and aortic dissection. Last evaluated: 2020-08-01. Review status: criteria provided, single submitter. Criteria: Invitae Variant Classification Sherloc (09022015). Collection method: clinical testing. Allele origin: germline.
Comment: This sequence change replaces proline with glutamine at codon 436 of the TGFBR1 protein (p.Pro436Gln). The proline residue is highly conserved and there is a moderate physicochemical difference between proline and glutamine. This variant is not present in population databases (ExAC no frequency). This variant has been observed in individual(s) with clinical features of TGFBR1-related conditions (Invitae). It has also been observed to segregate with disease in related individuals. Algorithms developed to predict the effect of missense changes on protein structure and function (SIFT, PolyPhen-2, Align-GVGD) all suggest that this variant is likely to be disruptive, but these predictions have not been confirmed by published functional studies and their clinical significance is uncertain. In summary, the available evidence is currently insufficient to determine the role of this variant in disease. Therefore, it has been classified as a Variant of Uncertain Significance.

NM_004612.4(TGFBR1):c.1307C>A (p.Pro436Gln)

Gene: TGFBR1 (transforming growth factor beta receptor 1; plus strand). Cytogenetic location: 9q22.33.
Variant type: single nucleotide variant.
Coding change: c.1307C>A on transcript NM_004612.4 (MANE Select); coding-DNA position 1307, C replaced by A.
Protein change: p.Pro436Gln; replaces proline 436 with glutamine.
Molecular consequence: missense variant.
Genome position (GRCh38, 1-based): chr9:99,147,705, C>A. VCF-style: chr9-99147705-C-A. GRCh37 (hg19) VCF-style: chr9-101909987-C-A.
Other names: c.1076C>A, p.Pro359Gln (NM_001130916.3); c.1319C>A, p.Pro440Gln (NM_001306210.2); short protein forms P359Q, P436Q, P440Q.
Identifiers: ClinVar variation 1003810 (VCV001003810.11), dbSNP rs1131691342, ClinGen allele CA374233344.